The following is an entry in ClinVar:

ClinVar aggregate classification (germline): Uncertain significance (1 of 4 stars; one submission).

Conditions:
Amyotrophic lateral sclerosis type 1 (ALS1). Also called: AMYOTROPHIC LATERAL SCLEROSIS 1, FAMILIAL. Identifiers: Orphanet 803, MedGen C1862939, MONDO:0007103, OMIM 105400.
Perry syndrome. Also called: PARKINSONISM WITH ALVEOLAR HYPOVENTILATION AND MENTAL DEPRESSION. Identifiers: Orphanet 178509, MedGen C1868594, MONDO:0008201, OMIM 168605.
Neuronopathy, distal hereditary motor, type 7B. Also called: NEUROPATHY, DISTAL HEREDITARY MOTOR, WITH VOCAL CORD PARALYSIS, HARDING TYPE VIIB; Distal Hereditary Motor Neuronopathy Type 7B (dHMN7B); LOWER MOTOR NEURON DISEASE, DYNACTIN TYPE; HMN VIIB; NEURONOPATHY, DISTAL HEREDITARY MOTOR, AUTOSOMAL DOMINANT 14; NEURONOPATHY, DISTAL HEREDITARY MOTOR, HARDING TYPE VIIB. Identifiers: Orphanet 139589, MedGen C1843315, MONDO:0011879, OMIM 607641.

Submission:

Labcorp Genetics (formerly Invitae), Labcorp
Classification: Uncertain significance for Amyotrophic lateral sclerosis type 1; Neuronopathy, distal hereditary motor, type 7B; Perry syndrome. Last evaluated: 2021-10-14. Review status: criteria provided, single submitter. Criteria: Invitae Variant Classification Sherloc (09022015). Collection method: clinical testing. Allele origin: germline.
Comment: This sequence change replaces phenylalanine with serine at codon 52 of the DCTN1 protein (p.Phe52Ser). The phenylalanine residue is highly conserved and there is a large physicochemical difference between phenylalanine and serine. This variant is not present in population databases (ExAC no frequency). In summary, the available evidence is currently insufficient to determine the role of this variant in disease. Therefore, it has been classified as a Variant of Uncertain Significance. Algorithms developed to predict the effect of missense changes on protein structure and function (SIFT, PolyPhen-2, Align-GVGD) all suggest that this variant is likely to be disruptive. This variant has not been reported in the literature in individuals affected with DCTN1-related conditions.

NM_004082.5(DCTN1):c.155T>C (p.Phe52Ser)

Gene: DCTN1 (dynactin subunit 1; minus strand). Cytogenetic location: 2p13.1.
Variant type: single nucleotide variant.
Coding change: c.155T>C on transcript NM_004082.5 (MANE Select); coding-DNA position 155, T replaced by C.
Protein change: p.Phe52Ser; replaces phenylalanine 52 with serine.
Molecular consequence: missense variant. On other transcripts: non-coding transcript variant (1).
Genome position (GRCh38, 1-based): chr2:74,378,124, A>G on the plus strand (T>C on the coding strand, the complement: DCTN1 is on the minus strand). VCF-style: chr2-74378124-A-G. GRCh37 (hg19) VCF-style: chr2-74605251-A-G.
Other names: c.155T>C, p.Phe52Ser (NM_001135040.3, NM_001190837.2); c.104T>C, p.Phe35Ser (NM_001190836.2, NM_001378991.1, NM_001378992.1); short protein forms F35S, F52S.
Identifiers: ClinVar variation 1369948 (VCV001369948.6), dbSNP rs2103723246, ClinGen allele CA347322513.